The following is an entry in ClinVar:

NM_001204077.2(UBE4A):c.335G>A (p.Arg112His)

Gene: UBE4A (ubiquitination factor E4A; plus strand). Cytogenetic location: 11q23.3.
Variant type: single nucleotide variant.
Coding change: c.335G>A on transcript NM_001204077.2 (MANE Select); coding-DNA position 335, G replaced by A.
Protein change: p.Arg112His; replaces arginine 112 with histidine.
Molecular consequence: missense variant.
Genome position (GRCh38, 1-based): chr11:118,369,462, G>A. VCF-style: chr11-118369462-G-A. GRCh37 (hg19) VCF-style: chr11-118240177-G-A.
Other names: c.335G>A, p.Arg112His (NM_004788.4); short protein forms R112H.
Identifiers: ClinVar variation 2252766 (VCV002252766.6), dbSNP rs574621310, ClinGen allele CA6302329.
Genomic context (GRCh38, chr11:118,369,462, plus strand): 5'-CATATTAAAACCATTTCCCAGGTGATCCCAGCTTGAAAAGCGGGAATGGCATCCCTAGCC[G>A]TTGTGTGTATTTGGAAGAAATGGCAGTAGAGCTAGAAGATCAAGACTGGCTTGATATGAG-3'
Protein context (NP_001191006.1, residues 102-122): SLKSGNGIPS[Arg112His]CVYLEEMAVE

ClinVar aggregate classification (germline): Uncertain significance. Review status: criteria provided, multiple submitters, no conflicts (2 of 4 stars). 3 submissions from 3 submitters: Uncertain significance (2). 1 of the submissions does not count toward it. Last evaluated 2026-04-26.

Conditions:
Inborn genetic diseases. Identifiers: MedGen C0950123, MeSH D030342.
UBE4A-related disorder. Also called: UBE4A-related condition.

Allele frequency attached by ClinVar (database versions not stated): gnomAD exomes 0.00004; TOPMed 0.00005; ExAC 0.00007; gnomAD 0.00008; 1000 Genomes Project 30x 0.00016; 1000 Genomes Project 0.00020.

Submissions (3):

GeneDx
Classification: Uncertain significance. Last evaluated: 2026-04-26. Review status: criteria provided, single submitter. Criteria: GeneDx Variant Classification Process June 2021. Collection method: clinical testing. Allele origin: germline.
Comment: In silico analysis suggests that this missense variant does not alter protein structure/function; Has not been previously published as pathogenic or benign to our knowledge

Ambry Genetics
Classification: Uncertain significance for Inborn genetic diseases. Last evaluated: 2021-09-28. Review status: criteria provided, single submitter. Criteria: Ambry Variant Classification Scheme 2023. Collection method: clinical testing. Allele origin: germline.

PreventionGenetics, part of Exact Sciences
Classification: Uncertain significance for UBE4A-related condition. Last evaluated: 2023-12-15. Review status: no assertion criteria provided. Collection method: clinical testing. Allele origin: germline. Not counted in ClinVar's aggregate classification.
Comment: The UBE4A c.335G>A variant is predicted to result in the amino acid substitution p.Arg112His. To our knowledge, this variant has not been reported in the literature. This variant is reported in 0.016% of alleles in individuals of South Asian descent in gnomAD. At this time, the clinical significance of this variant is uncertain due to the absence of conclusive functional and genetic evidence.